The following is an entry in ClinVar:

ClinVar aggregate classification (germline): Uncertain significance (1 of 4 stars; one submission).

Conditions:
Cardiomyopathy (CMYO). Also called: Cardiomyopathies. Identifiers: Orphanet 167848, MedGen C0878544, MONDO:0004994, HP:0001638. Inheritance: Various modes of inheritance.

gnomAD v4.1: 5 of 1,614,138 alleles (0.00031%); highest among the groups gnomAD compares: South Asian, 0.0044%; no homozygotes.

Submission:

Color Diagnostics, LLC DBA Color Health
Classification: Uncertain significance for Cardiomyopathy. Last evaluated: 2024-03-06. Review status: criteria provided, single submitter. Criteria: ACMG Guidelines, 2015. Collection method: clinical testing. Allele origin: germline.
Comment: This missense variant replaces methionine with valine at codon 924 of the DSP protein. Computational prediction suggests that this variant may not impact protein structure and function (internally defined REVEL score threshold <= 0.5, PMID: 27666373). To our knowledge, functional studies have not been reported for this variant. This variant has not been reported in individuals affected with cardiovascular disorders in the literature. This variant has not been identified in the general population by the Genome Aggregation Database (gnomAD). The available evidence is insufficient to determine the role of this variant in disease conclusively. Therefore, this variant is classified as a Variant of Uncertain Significance.

NM_004415.4(DSP):c.2770A>G (p.Met924Val)

Gene: DSP (desmoplakin; plus strand). Cytogenetic location: 6p24.3.
Variant type: single nucleotide variant.
Coding change: c.2770A>G on transcript NM_004415.4 (MANE Select); coding-DNA position 2770, A replaced by G.
Protein change: p.Met924Val; replaces methionine 924 with valine.
Molecular consequence: missense variant.
Genome position (GRCh38, 1-based): chr6:7,576,433, A>G. VCF-style: chr6-7576433-A-G. GRCh37 (hg19) VCF-style: chr6-7576666-A-G.
Other names: c.2770A>G, p.Met924Val (NM_001008844.3, NM_001319034.2); short protein forms M924V.
Identifiers: ClinVar variation 1332204 (VCV001332204.3), dbSNP rs2113686779, ClinGen allele CA362682089.